The following is an entry in ClinVar:

NM_014251.3(SLC25A13):c.666A>C (p.Gly222=)

Gene: SLC25A13 (solute carrier family 25 member 13; minus strand). Cytogenetic location: 7q21.3.
Variant type: single nucleotide variant.
Coding change: c.666A>C on transcript NM_014251.3 (MANE Select); coding-DNA position 666, A replaced by C.
Protein change: p.Gly222=; no amino-acid change (glycine 222 retained).
Molecular consequence: synonymous variant. On other transcripts: non-coding transcript variant (1).
Genome position (GRCh38, 1-based): chr7:96,191,197, T>G on the plus strand (A>C on the coding strand, the complement: SLC25A13 is on the minus strand). VCF-style: chr7-96191197-T-G. GRCh37 (hg19) VCF-style: chr7-95820509-T-G.
Other names: c.666A>C, p.Gly222= (NM_001160210.2).
Identifiers: ClinVar variation 751781 (VCV000751781.17), dbSNP rs200838637, ClinGen allele CA4353198.
Genomic context (GRCh38, chr7:96,191,197, plus strand): 5'-GCCAGCCAGAGTGCTATAGATCTTTCTAATGAGTTCCATGTTGTTAAGGAGCGAATTAAA[T>G]CCATTAAAATAGGAGAAACTAACTTGATGGGATGTGGTACCTCCAGCAGCCTCAAATAAA-3'
Protein context (NP_055066.1, residues 212-232): SHQVSFSYFN[Gly222=]FNSLLNNMEL

ClinVar aggregate classification (germline): Conflicting classifications of pathogenicity. Review status: criteria provided, conflicting classifications (1 of 4 stars). 4 submissions from 4 submitters: Uncertain significance (1); Likely benign (1). 2 of the submissions do not count toward it. Last evaluated 2025-02-10.

Conditions:
SLC25A13-related disorder. Also called: SLC25A13-related condition.
Citrin deficiency. Identifiers: Orphanet 247582, MedGen C1997910, MONDO:0016602.
Citrullinemia type II. Also called: Citrullinemia Type II (CTLN2). Identifiers: Orphanet 247585, MedGen C1863844, MONDO:0016603.
Adult-onset citrullinemia type I. Also called: Late-onset citrullinemia. Identifiers: Orphanet 247573, MedGen C0268546, MONDO:0016601.

Allele frequency attached by ClinVar (database versions not stated): gnomAD 0.00001 and 0.00002; TOPMed 0.00004; gnomAD exomes 0.00006; ExAC 0.00008; 1000 Genomes Project 30x 0.00016; 1000 Genomes Project 0.00020.
gnomAD v4.1: 21 of 1,614,082 alleles (0.0013%); highest among the groups gnomAD compares: East Asian, 0.04%; no homozygotes.

Submissions (4):

Labcorp Genetics (formerly Invitae), Labcorp
Classification: Likely benign for Citrin deficiency. Last evaluated: 2025-02-10. Review status: criteria provided, single submitter. Criteria: Invitae Variant Classification Sherloc (09022015). Collection method: clinical testing. Allele origin: germline.

Illumina Laboratory Services, Illumina
Classification: Uncertain significance for Citrullinemia, type II, adult-onset. Last evaluated: 2018-01-13. Review status: criteria provided, single submitter. Criteria: ICSL Variant Classification Criteria 13 December 2019. Collection method: clinical testing. Allele origin: germline.

PreventionGenetics, part of Exact Sciences
Classification: Likely benign for SLC25A13-related condition. Last evaluated: 2024-09-25. Review status: no assertion criteria provided. Collection method: clinical testing. Allele origin: germline. Not counted in ClinVar's aggregate classification.
Comment: This variant is classified as likely benign based on ACMG/AMP sequence variant interpretation guidelines (Richards et al. 2015 PMID: 25741868, with internal and published modifications).

Natera, Inc.
Classification: Uncertain significance for Late-onset citrullinemia. Last evaluated: 2020-04-15. Review status: no assertion criteria provided. Collection method: clinical testing. Allele origin: germline. Not counted in ClinVar's aggregate classification.